The following is an entry in ClinVar:

ClinVar aggregate classification (germline): Uncertain significance (1 of 4 stars; one submission).

Conditions:
Aicardi-Goutieres syndrome 7 (AGS7). Identifiers: Orphanet 51, MedGen C3888244, MONDO:0014367, OMIM 615846.
Singleton-Merten syndrome 1 (SGMRT1). Also called: Widened medullary cavities of bone, aortic calcification, abnormal dentition, and muscular weakness; Syndrome of widened medullary cavities of the metacarpals and phalanges, aortic calcification and abnormal dentition. Identifiers: Orphanet 85191, MedGen C4225427, MONDO:0024535, OMIM 182250.

Allele frequency attached by ClinVar (database versions not stated): TOPMed below 0.00001.
gnomAD v4.1: 1 of 1,602,260 alleles (0.000062%); no homozygotes.

Submission:

Labcorp Genetics (formerly Invitae), Labcorp
Classification: Uncertain significance for Aicardi-Goutieres syndrome 7; Singleton-Merten syndrome 1. Last evaluated: 2023-11-18. Review status: criteria provided, single submitter. Criteria: Invitae Variant Classification Sherloc (09022015). Collection method: clinical testing. Allele origin: germline.
Comment: This sequence change affects a donor splice site in intron 9 of the IFIH1 gene. It is expected to disrupt RNA splicing. Variants that disrupt the donor or acceptor splice site typically lead to a loss of protein function (PMID: 16199547), however the current clinical and genetic evidence is not sufficient to establish whether loss-of-function variants in IFIH1 cause disease. This variant is not present in population databases (gnomAD no frequency). This variant has not been reported in the literature in individuals affected with IFIH1-related conditions. Algorithms developed to predict the effect of sequence changes on RNA splicing suggest that this variant may disrupt the consensus splice site. In summary, the available evidence is currently insufficient to determine the role of this variant in disease. Therefore, it has been classified as a Variant of Uncertain Significance.

Literature cited by the submitters: PubMed 16199547.

NM_022168.4(IFIH1):c.1765+2T>C

Gene: IFIH1 (interferon induced with helicase C domain 1; minus strand). Cytogenetic location: 2q24.2.
Variant type: single nucleotide variant.
Coding change: c.1765+2T>C on transcript NM_022168.4 (MANE Select); the canonical splice donor site of the intron after coding-DNA position 1765, T replaced by C.
Molecular consequence: splice donor variant.
Genome position (GRCh38, 1-based): chr2:162,278,203, A>G on the plus strand (T>C on the coding strand, the complement: IFIH1 is on the minus strand). VCF-style: chr2-162278203-A-G. GRCh37 (hg19) VCF-style: chr2-163134713-A-G.
Identifiers: ClinVar variation 2954000 (VCV002954000.3), dbSNP rs995063479, ClinGen allele CA59661805.